The following is an entry in ClinVar:

ClinVar aggregate classification (germline): Conflicting classifications of pathogenicity. Review status: criteria provided, conflicting classifications (1 of 4 stars). 6 submissions from 6 submitters: Uncertain significance (1); Likely benign (5). Last evaluated 2025-12-31.

Conditions:
DES-related disorder. Also called: DES-related condition.
Cardiovascular phenotype. Identifiers: MedGen CN230736.
Desmin-related myofibrillar myopathy (MFM1). Also called: Desmin related myopathy (former name); Desmin storage myopathy (former name); Desminopathy; Myofibrillar myopathy 1; MYOFIBRILLAR MYOPATHY WITH ARRHYTHMOGENIC RIGHT VENTRICULAR CARDIOMYOPATHY; DESMIN-RELATED MYOPATHY WITH ARRHYTHMOGENIC RIGHT VENTRICULAR CARDIOMYOPATHY. Identifiers: Orphanet 363543, Orphanet 98909, MedGen C1832370, MONDO:0011076, OMIM 601419.

Allele frequency attached by ClinVar (database versions not stated): ExAC 0.00002; gnomAD exomes 0.00002 and 0.00005; gnomAD 0.00004; TOPMed 0.00004.
gnomAD v4.1: 78 of 1,603,586 alleles (0.0049%); highest among the groups gnomAD compares: Non-Finnish European, 0.006%; no homozygotes.

Submissions (6):

PreventionGenetics, part of Exact Sciences
Classification: Likely benign for DES-related condition. Last evaluated: 2025-12-31. Review status: criteria provided, single submitter. Criteria: ACMG Guidelines, 2015. Collection method: clinical testing. Allele origin: germline.
Comment: This variant is classified as likely benign based on ACMG/AMP sequence variant interpretation guidelines (Richards et al. 2015 PMID: 25741868, with internal and published modifications).

Labcorp Genetics (formerly Invitae), Labcorp
Classification: Likely benign for Desmin-related myofibrillar myopathy. Last evaluated: 2025-09-12. Review status: criteria provided, single submitter. Criteria: Invitae Variant Classification Sherloc (09022015). Collection method: clinical testing. Allele origin: germline.

Blueprint Genetics
Classification: Likely benign. Last evaluated: 2024-08-08. Review status: criteria provided, single submitter. Criteria: ACMG Guidelines, 2015. Collection method: clinical testing. Allele origin: germline.

Ambry Genetics
Classification: Likely benign for Cardiovascular phenotype. Last evaluated: 2024-05-25. Review status: criteria provided, single submitter. Criteria: Ambry Variant Classification Scheme 2023. Collection method: clinical testing. Allele origin: germline.

GeneDx
Classification: Likely benign. Last evaluated: 2020-02-13. Review status: criteria provided, single submitter. Criteria: GeneDx Variant Classification Process June 2021. Collection method: clinical testing. Allele origin: germline. Affected: yes.

Eurofins Ntd Llc (ga)
Classification: Uncertain significance. Last evaluated: 2016-10-04. Review status: criteria provided, single submitter. Criteria: EGL Classification Definitions 2015. Collection method: clinical testing. Allele origin: germline. Observed: 1 variant allele, 1 heterozygote.

NM_001927.4(DES):c.63C>T (p.Ala21=)

Gene: DES (desmin; plus strand). Cytogenetic location: 2q35.
Variant type: single nucleotide variant.
Coding change: c.63C>T on transcript NM_001927.4 (MANE Select); coding-DNA position 63, C replaced by T.
Protein change: p.Ala21=; no amino-acid change (alanine 21 retained).
Molecular consequence: synonymous variant.
Genome position (GRCh38, 1-based): chr2:219,418,525, C>T. VCF-style: chr2-219418525-C-T. GRCh37 (hg19) VCF-style: chr2-220283247-C-T.
Other names: c.63C>T (LRG_380t1).
Identifiers: ClinVar variation 380702 (VCV000380702.22), dbSNP rs201458068, ClinGen allele CA2125011.